The following is an entry in ClinVar:

ClinVar aggregate classification (germline): Pathogenic/Likely pathogenic. Review status: criteria provided, multiple submitters, no conflicts (2 of 4 stars). 3 submissions from 3 submitters: Pathogenic (1); Likely pathogenic (1). 1 of the submissions does not count toward it. Last evaluated 2022-05-12.

Conditions:
NT5C2-related disorder. Also called: NT5C2-related condition.
Hereditary spastic paraplegia 45. Also called: SPASTIC PARAPLEGIA 45; Spastic paraplegia 45, autosomal recessive. Identifiers: Orphanet 320396, MedGen C3888209, MONDO:0013165, OMIM 613162.

Allele frequency attached by ClinVar (database versions not stated): gnomAD exomes 0.00001; TOPMed below 0.00001; ExAC 0.00001; gnomAD 0.00001.
gnomAD v4.1: 9 of 1,608,606 alleles (0.00056%); highest among the groups gnomAD compares: East Asian, 0.0067%; no homozygotes.

Submissions (3):

Labcorp Genetics (formerly Invitae), Labcorp
Classification: Pathogenic for Hereditary spastic paraplegia 45. Last evaluated: 2022-05-12. Review status: criteria provided, single submitter. Criteria: Invitae Variant Classification Sherloc (09022015). Collection method: clinical testing. Allele origin: germline.
Comment: This premature translational stop signal has been observed in individual(s) with clinical features of NT5C2-related conditions (PMID: 32214227). This variant is present in population databases (rs764453448, gnomAD 0.01%). This sequence change creates a premature translational stop signal (p.Arg144*) in the NT5C2 gene. It is expected to result in an absent or disrupted protein product. Loss-of-function variants in NT5C2 are known to be pathogenic (PMID: 24482476). For these reasons, this variant has been classified as Pathogenic. ClinVar contains an entry for this variant (Variation ID: 810633).

Blueprint Genetics
Classification: Likely pathogenic for NT5C2-related disorders. Last evaluated: 2022-04-05. Review status: criteria provided, single submitter. Criteria: ACMG Guidelines, 2015. Collection method: clinical testing. Allele origin: germline. Affected: yes. Observed: 2 variant alleles.

Section for Clinical Neurogenetics, University of Tübingen
Classification: Likely pathogenic for Hereditary spastic paraplegia 45. Last evaluated: 2019-08-01. Review status: no assertion criteria provided. Collection method: research. Allele origin: germline. Affected: yes. Not counted in ClinVar's aggregate classification.

Literature cited by the submitters: PubMed 32214227 (cited by Labcorp Genetics (formerly Invitae), Labcorp and Section for Clinical Neurogenetics, University of Tübingen); PubMed 24482476 (cited by Labcorp Genetics (formerly Invitae), Labcorp).

NM_001351169.2(NT5C2):c.430C>T (p.Arg144Ter)

Gene: NT5C2 (5'-nucleotidase, cytosolic II; minus strand). Cytogenetic location: 10q24.33.
Variant type: single nucleotide variant.
Coding change: c.430C>T on transcript NM_001351169.2 (MANE Select); coding-DNA position 430, C replaced by T.
Protein change: p.Arg144Ter; replaces arginine 144 with a stop codon.
Molecular consequence: nonsense. On other transcripts: 5 prime UTR variant (20), intron variant (2).
Genome position (GRCh38, 1-based): chr10:103,101,286, G>A on the plus strand (C>T on the coding strand, the complement: NT5C2 is on the minus strand). VCF-style: chr10-103101286-G-A. GRCh37 (hg19) VCF-style: chr10-104861043-G-A.
Other names: c.430C>T, p.Arg144Ter (NM_001134373.3, NM_012229.5); c.454C>T, p.Arg152Ter (NM_001351170.2, NM_001351171.2, NM_001351172.2 and 1 more transcripts); c.343C>T, p.Arg115Ter (NM_001351174.1); c.337C>T, p.Arg113Ter (NM_001351175.2); c.-144C>T (NM_001351176.2, NM_001351177.2, NM_001351178.2 and 4 more transcripts); c.-336C>T (NM_001351179.2, NM_001351180.2, NM_001351182.2 and 4 more transcripts); c.-357C>T (NM_001351185.2, NM_001351187.2); c.-229C>T (NM_001351190.2); and 2 more; short protein forms R113*, R152*, R115*, R144*.
Identifiers: ClinVar variation 810633 (VCV000810633.6), dbSNP rs764453448, ClinGen allele CA5671094.